The following is an entry in ClinVar:

ClinVar aggregate classification (germline): Uncertain significance (1 of 4 stars; one submission).

Conditions:
Inborn genetic diseases. Identifiers: MedGen C0950123, MeSH D030342.

Submission:

Ambry Genetics
Classification: Uncertain significance for Inborn genetic diseases. Last evaluated: 2022-10-08. Review status: criteria provided, single submitter. Criteria: Ambry Variant Classification Scheme 2023. Collection method: clinical testing. Allele origin: germline.
Comment: The p.S787Y variant (also known as c.2360C>A), located in coding exon 15 of the EPAS1 gene, results from a C to A substitution at nucleotide position 2360. The serine at codon 787 is replaced by tyrosine, an amino acid with dissimilar properties. This amino acid position is conserved. In addition, this alteration is predicted to be tolerated by in silico analysis. Since supporting evidence is limited at this time, the clinical significance of this alteration remains unclear.

NM_001430.5(EPAS1):c.2360C>A (p.Ser787Tyr)

Gene: EPAS1 (endothelial PAS domain protein 1; plus strand). Cytogenetic location: 2p21.
Variant type: single nucleotide variant.
Coding change: c.2360C>A on transcript NM_001430.5 (MANE Select); coding-DNA position 2360, C replaced by A.
Protein change: p.Ser787Tyr; replaces serine 787 with tyrosine.
Molecular consequence: missense variant.
Genome position (GRCh38, 1-based): chr2:46,382,497, C>A. VCF-style: chr2-46382497-C-A. GRCh37 (hg19) VCF-style: chr2-46609636-C-A.
Other names: short protein forms S787Y.
Identifiers: ClinVar variation 1790154 (VCV001790154.2), dbSNP rs2546480834, ClinGen allele CA346706109.